The following is an entry in ClinVar:

NM_203446.3(SYNJ1):c.2525C>A (p.Thr842Asn)

Gene: SYNJ1 (synaptojanin 1; minus strand). Cytogenetic location: 21q22.11.
Variant type: single nucleotide variant.
Coding change: c.2525C>A on transcript NM_203446.3 (MANE Select); coding-DNA position 2525, C replaced by A.
Protein change: p.Thr842Asn; replaces threonine 842 with asparagine.
Molecular consequence: missense variant.
Genome position (GRCh38, 1-based): chr21:32,657,057, G>T on the plus strand (C>A on the coding strand, the complement: SYNJ1 is on the minus strand). VCF-style: chr21-32657057-G-T. GRCh37 (hg19) VCF-style: chr21-34029367-G-T.
Other names: c.2525C>A, p.Thr842Asn (NM_001160302.2); c.2510C>A, p.Thr837Asn (NM_001160306.2); c.2642C>A, p.Thr881Asn (NM_003895.4); short protein forms T837N, T842N, T881N.
Identifiers: ClinVar variation 1057509 (VCV001057509.16), dbSNP rs370346211, ClinGen allele CA10003642.

ClinVar aggregate classification (germline): Uncertain significance. Review status: criteria provided, multiple submitters, no conflicts (2 of 4 stars). 4 submissions from 4 submitters: Uncertain significance (4). Last evaluated 2026-02-25.

Conditions:
Developmental and epileptic encephalopathy, 53. Also called: Epileptic encephalopathy, early infantile, 53. Identifiers: MedGen C4479313, MONDO:0033362, OMIM 617389.
Early-onset Parkinson disease 20. Also called: PARKINSON DISEASE 20, AUTOSOMAL RECESSIVE EARLY-ONSET. Identifiers: Orphanet 391411, MedGen C3809824, MONDO:0014233, OMIM 615530.

Allele frequency attached by ClinVar (database versions not stated): ESP Exome Variant Server 0.00008.
gnomAD v4.1: 49 of 1,614,052 alleles (0.003%); highest among the groups gnomAD compares: African/African-American, 0.0067%; no homozygotes.

Submissions (4):

GeneDx
Classification: Uncertain significance. Last evaluated: 2026-02-25. Review status: criteria provided, single submitter. Criteria: GeneDx Variant Classification Process June 2021. Collection method: clinical testing. Allele origin: germline.
Comment: Not observed at significant frequency in large population cohorts (gnomAD); In silico analysis suggests that this missense variant does not alter protein structure/function; Reported previously, as c.2642C>A; p.(T881N), as a variant of uncertain significance in a patient with progressive dementia with Lewy bodies (PMID: 39256877); This variant is associated with the following publications: (PMID: 39256877)

CeGaT Center for Human Genetics Tuebingen
Classification: Uncertain significance. Last evaluated: 2026-02-01. Review status: criteria provided, single submitter. Criteria: CeGaT Center For Human Genetics Tuebingen Variant Classification Criteria Version 2. Collection method: clinical testing. Allele origin: germline. Affected: yes. Observed: 2 variant alleles.
Comment: SYNJ1: PM2

Labcorp Genetics (formerly Invitae), Labcorp
Classification: Uncertain significance for Developmental and epileptic encephalopathy, 53; Early-onset Parkinson disease 20. Last evaluated: 2024-12-16. Review status: criteria provided, single submitter. Criteria: Invitae Variant Classification Sherloc (09022015). Collection method: clinical testing. Allele origin: germline.
Comment: This sequence change replaces threonine, which is neutral and polar, with asparagine, which is neutral and polar, at codon 881 of the SYNJ1 protein (p.Thr881Asn). This variant is present in population databases (rs370346211, gnomAD 0.008%). This variant has not been reported in the literature in individuals affected with SYNJ1-related conditions. ClinVar contains an entry for this variant (Variation ID: 1057509). Invitae Evidence Modeling of protein sequence and biophysical properties (such as structural, functional, and spatial information, amino acid conservation, physicochemical variation, residue mobility, and thermodynamic stability) indicates that this missense variant is not expected to disrupt SYNJ1 protein function with a negative predictive value of 80%. In summary, the available evidence is currently insufficient to determine the role of this variant in disease. Therefore, it has been classified as a Variant of Uncertain Significance.

Blueprint Genetics
Classification: Uncertain significance. Last evaluated: 2024-11-22. Review status: criteria provided, single submitter. Criteria: ACMG Guidelines, 2015. Collection method: clinical testing. Allele origin: germline.